The following is an entry in ClinVar:

NM_175914.5(HNF4A):c.1148C>A (p.Ala383Asp)

Gene: HNF4A (hepatocyte nuclear factor 4 alpha; plus strand). Cytogenetic location: 20q13.12.
Variant type: single nucleotide variant.
Coding change: c.1148C>A on transcript NM_175914.5 (MANE Select); coding-DNA position 1148, C replaced by A.
Protein change: p.Ala383Asp; replaces alanine 383 with aspartic acid.
Molecular consequence: missense variant.
Genome position (GRCh38, 1-based): chr20:44,428,419, C>A. VCF-style: chr20-44428419-C-A. GRCh37 (hg19) VCF-style: chr20-43057059-C-A.
Other names: c.1214C>A, p.Ala405Asp (NM_000457.6, NM_178849.3); c.1148C>A, p.Ala383Asp (NM_001030003.3); c.1193C>A, p.Ala398Asp (NM_001258355.2); c.1139C>A, p.Ala380Asp (NM_001287182.2, NM_001287183.2); short protein forms A380D, A383D, A398D, A405D.
Identifiers: ClinVar variation 5041780 (VCV005041780.1).

ClinVar aggregate classification (germline): Uncertain significance (1 of 4 stars; one submission).

Submission:

CeGaT Center for Human Genetics Tuebingen
Classification: Uncertain significance. Last evaluated: 2026-09-01. Review status: criteria provided, single submitter. Criteria: CeGaT Center For Human Genetics Tuebingen Variant Classification Criteria Version 2. Collection method: clinical testing. Allele origin: germline. Affected: yes. Observed: 1 variant allele.
Comment: HNF4A: PM2